The following is an entry in ClinVar:

ClinVar aggregate classification (germline): Uncertain significance. Review status: criteria provided, multiple submitters, no conflicts (2 of 4 stars). 4 submissions from 4 submitters: Uncertain significance (4). Last evaluated 2026-06-24.

Conditions:
Cardiovascular phenotype. Identifiers: MedGen CN230736.
Noonan syndrome 1 (NS1). Also called: FEMALE PSEUDO-TURNER SYNDROME; TURNER PHENOTYPE WITH NORMAL KARYOTYPE; PTPN11-Related Noonan Syndrome. Identifiers: Orphanet 648, MedGen C4551602, MONDO:0008104, OMIM 163950. Disease mechanism: gain of function.
Metachondromatosis (METCDS). Identifiers: Orphanet 2499, MedGen C0410530, MONDO:0007979, OMIM 156250.
Juvenile myelomonocytic leukemia (JMML). Also called: LEUKEMIA, JUVENILE MYELOMONOCYTIC, SOMATIC. Identifiers: Orphanet 86834, MedGen C0349639, MONDO:0011908, OMIM 607785, HP:0012209.
LEOPARD syndrome 1 (LPRD1). Also called: LENTIGINOSIS, CARDIOMYOPATHIC; MULTIPLE LENTIGINES SYNDROME; PTPN11-Related LEOPARD Syndrome. Identifiers: Orphanet 500, MedGen C4551484, MONDO:0100082, OMIM 151100.

Allele frequency attached by ClinVar (database versions not stated): TOPMed 0.00001.
gnomAD v4.1: 6 of 1,614,190 alleles (0.00037%); highest among the groups gnomAD compares: Non-Finnish European, 0.00042%; no homozygotes.

Submissions (4):

Victorian Clinical Genetics Services, Murdoch Childrens Research Institute
Classification: Uncertain significance for Noonan syndrome 1. Last evaluated: 2026-06-24. Review status: criteria provided, single submitter. Criteria: ACMG Guidelines, 2015. Collection method: clinical testing. Allele origin: germline. Affected: yes.
Comment: This variant is classified as VUS-3A. Evidence in support of pathogenic classification: Variant is present in gnomAD <0.001 for a dominant condition (v4: 6 heterozygote(s), 0 homozygote(s)); Missense variant predicted to be damaging by in silico tool(s) or highly conserved with a major amino acid change; Additional information: Variant is predicted to result in a missense amino acid change from Val to Met; This variant is heterozygous; This gene is associated with autosomal dominant disease; Alternative amino acid change(s) at the same position are present in gnomAD (highest allele count: v4: 3 heterozygote(s), 0 homozygote(s)); Previous evidence of pathogenicity for this variant is inconclusive. This variant has been classified as a VUS by clinical laboratories in ClinVar. - No published evidence of segregation with disease has been identified for this variant; No published functional evidence has been identified for this variant; Another missense variant(s) comparable to the one identified in this case has inconclusive previous evidence for pathogenicity. p.(Val435Leu) has been classified as VUS by clinical laboratories in ClinVar; however, one individual also had pathogenic variants reported in other genes (personal communication); Variant is located in the annotated protein-tyrosine phosphatase domain (DECIPHER). - Both loss of function and gain of function are known mechanisms of disease for this gene. Metachondromatosis (MIM#156250) and Noonan syndrome with multiple lentigines (MIM#151100) have been associated with loss of function variants, whereas Noonan syndrome 1 (MIM#163950) is caused by gain of function variants (PMIDs: 11992261, 24935154, 21533187; ClinGen expert panel); Variants in this gene are known to have variable expressivity. Noonan syndrome is known to have variable expressivity (PMID: 20301303).

Ambry Genetics
Classification: Uncertain significance for Cardiovascular phenotype. Last evaluated: 2025-09-17. Review status: criteria provided, single submitter. Criteria: Ambry Variant Classification Scheme 2023. Collection method: clinical testing. Allele origin: germline.
Comment: The p.V435M variant (also known as c.1303G>A), located in coding exon 11 of the PTPN11 gene, results from a G to A substitution at nucleotide position 1303. The valine at codon 435 is replaced by methionine, an amino acid with highly similar properties. This amino acid position is conserved. In addition, this alteration is predicted to be deleterious by in silico analysis. Based on the available evidence, the clinical significance of this variant remains unclear.

Fulgent Genetics
Classification: Uncertain significance for LEOPARD syndrome 1; Metachondromatosis; Noonan syndrome 1; Juvenile myelomonocytic leukemia. Last evaluated: 2024-05-13. Review status: criteria provided, single submitter. Criteria: ACMG Guidelines, 2015. Collection method: clinical testing. Allele origin: germline.

Genetic Services Laboratory, University of Chicago
Classification: Uncertain significance. Last evaluated: 2020-05-05. Review status: criteria provided, single submitter. Criteria: ACMG Guidelines, 2015. Collection method: clinical testing. Allele origin: germline. Affected: no.
Comment: DNA sequence analysis of the PTPN11 gene demonstrated a sequence change, c.1303G>A, in exon 11 that results in an amino acid change, p.Val435Met. This sequence change does not appear to have been previously described in patients with PTPN11-related disorders. This sequence change is absent from the large population databases such as ExAC and gnomAD (dbSNP rs1054802954). The p.Val435Met change affects a highly conserved amino acid residue located in a domain of the PTPN11 protein that is known to be functional. The p.Val435Met substitution appears to be deleterious using several in-silico pathogenicity prediction tools (SIFT, PolyPhen2, Align GVGD, REVEL). Due to these evidences and the lack of functional studies, the clinical significance of the p.Val435Met change remains unknown at this time.

Literature cited by the submitters: PubMed 20301303 (cited by Victorian Clinical Genetics Services, Murdoch Childrens Research Institute); PubMed 11992261 (cited by Victorian Clinical Genetics Services, Murdoch Childrens Research Institute); PubMed 24935154 (cited by Victorian Clinical Genetics Services, Murdoch Childrens Research Institute); PubMed 21533187 (cited by Victorian Clinical Genetics Services, Murdoch Childrens Research Institute).

NM_002834.5(PTPN11):c.1303G>A (p.Val435Met)

Gene: PTPN11 (protein tyrosine phosphatase non-receptor type 11; plus strand). Cytogenetic location: 12q24.13.
Variant type: single nucleotide variant.
Coding change: c.1303G>A on transcript NM_002834.5 (MANE Select); coding-DNA position 1303, G replaced by A.
Protein change: p.Val435Met; replaces valine 435 with methionine.
Molecular consequence: missense variant.
Genome position (GRCh38, 1-based): chr12:112,486,553, G>A. VCF-style: chr12-112486553-G-A. GRCh37 (hg19) VCF-style: chr12-112924357-G-A.
Other names: c.1315G>A, p.Val439Met (NM_001330437.2); c.1300G>A, p.Val434Met (NM_001374625.1); c.1303G>A, p.Val435Met (NM_080601.3); c.1303G>A (NM_002834.3); short protein forms V434M, V435M, V439M.
Identifiers: ClinVar variation 1337641 (VCV001337641.7), dbSNP rs1054802954, ClinGen allele CA243713056.